The following is an entry in ClinVar:

ClinVar aggregate classification (germline): Uncertain significance (1 of 4 stars; one submission).

Submission:

CeGaT Center for Human Genetics Tuebingen
Classification: Uncertain significance. Last evaluated: 2023-04-01. Review status: criteria provided, single submitter. Criteria: CeGaT Center For Human Genetics Tuebingen Variant Classification Criteria Version 2. Collection method: clinical testing. Allele origin: germline. Affected: yes. Observed: 1 variant allele.
Comment: POLR2A: PM2, PP2, PS2:Supporting

NM_000937.5(POLR2A):c.1172C>G (p.Ala391Gly)

Gene: POLR2A (RNA polymerase II subunit A; plus strand). Cytogenetic location: 17p13.1.
Variant type: single nucleotide variant.
Coding change: c.1172C>G on transcript NM_000937.5 (MANE Select); coding-DNA position 1172, C replaced by G.
Protein change: p.Ala391Gly; replaces alanine 391 with glycine.
Molecular consequence: missense variant.
Genome position (GRCh38, 1-based): chr17:7,497,840, C>G. VCF-style: chr17-7497840-C-G. GRCh37 (hg19) VCF-style: chr17-7401159-C-G.
Other names: short protein forms A391G.
Identifiers: ClinVar variation 2647345 (VCV002647345.24), dbSNP rs200485876, ClinGen allele CA397869687.